The following is an entry in ClinVar:

NM_000377.3(WAS):c.1395_1399dup (p.Val467fs)

Gene: WAS (WASP actin nucleation promoting factor; plus strand). Cytogenetic location: Xp11.23.
Variant type: Duplication.
Coding change: c.1395_1399dup on transcript NM_000377.3 (MANE Select); coding-DNA positions 1395 to 1399, 5 bases duplicated (ACTGG; older notation c.1395_1399dupACTGG).
Protein change: p.Val467fs; shifts the reading frame from valine 467.
Molecular consequence: frameshift variant.
Genome position (GRCh38, 1-based): chrX:48,689,376-48,689,380, ACTGG duplicated; duplicating any 5 consecutive bases within chrX:48,689,374-48,689,380 gives the same sequence; the c. name uses the placement nearest the transcript's 3' end. VCF-style (leftmost placement, unchanged base first): chrX-48689373-G-GGGACT. GRCh37 (hg19) VCF-style: chrX-48547762-G-GGGACT.
Other names: c.1395_1399dupACTGG (NM_000377.3); c.1399_1400insACTGG (NM_000377.3); short protein forms V467fs.
Identifiers: ClinVar variation 834084 (VCV000834084.4), dbSNP rs2062432605, ClinGen allele CA1139667534.

ClinVar aggregate classification (germline): Pathogenic. Review status: criteria provided, single submitter (1 of 4 stars). 2 submissions from 2 submitters: Pathogenic (1). 1 of the submissions does not count toward it. Last evaluated 2024-09-05.

Conditions:
Wiskott-Aldrich syndrome (WAS). Also called: WISKOTT-ALDRICH SYNDROME 1; ALDRICH SYNDROME; IMMUNODEFICIENCY 2; Wiskott-aldrich syndrome, somatic. Identifiers: Orphanet 906, MedGen C0043194, MONDO:0010518, OMIM 301000.

Submissions (2):

Women's Health and Genetics/Laboratory Corporation of America, LabCorp
Classification: Pathogenic for Wiskott-Aldrich syndrome. Last evaluated: 2024-09-05. Review status: criteria provided, single submitter. Criteria: LabCorp Variant Classification Summary - May 2015. Collection method: clinical testing. Allele origin: germline.
Comment: Variant summary: WAS c.1395_1399dupACTGG (p.Val467AspfsX6) results in a premature termination codon, predicted to cause a truncation of the encoded protein. Although nonsense mediated decay is not predicted, pathogenic variants have been observed downstream internally and in ClinVar. The variant was absent in 177047 control chromosomes. To our knowledge, no occurrence of c.1395_1399dupACTGG in individuals affected with Wiskott-Aldrich Syndrome and no experimental evidence demonstrating its impact on protein function have been reported. ClinVar contains an entry for this variant (Variation ID: 834084). Based on the evidence outlined above, the variant was classified as pathogenic.

Neil Romberg Laboratory, Children's Hospital of Philadelphia
Classification: Pathogenic for Wiskott-Aldrich syndrome. Last evaluated: 2018-12-01. Review status: no assertion criteria provided. Collection method: research. Allele origin: germline. Affected: yes. Not counted in ClinVar's aggregate classification.